The following is an entry in ClinVar:

NM_001367624.2(ZNF469):c.5546G>T (p.Arg1849Met)

Gene: ZNF469 (zinc finger protein 469; plus strand). Cytogenetic location: 16q24.2.
Variant type: single nucleotide variant.
Coding change: c.5546G>T on transcript NM_001367624.2 (MANE Select); coding-DNA position 5546, G replaced by T.
Protein change: p.Arg1849Met; replaces arginine 1849 with methionine.
Molecular consequence: missense variant.
Genome position (GRCh38, 1-based): chr16:88,433,016, G>T. VCF-style: chr16-88433016-G-T. GRCh37 (hg19) VCF-style: chr16-88499424-G-T.
Other names: NM_001127464.1:c.5462G>T; short protein forms R1849M.
Identifiers: ClinVar variation 1747678 (VCV001747678.2), dbSNP rs1906308186, ClinGen allele CA397101509.

ClinVar aggregate classification (germline): Uncertain significance (1 of 4 stars; one submission).

Conditions:
Cardiovascular phenotype. Identifiers: MedGen CN230736.

Allele frequency attached by ClinVar (database versions not stated): gnomAD exomes below 0.00001; TOPMed below 0.00001.
gnomAD v4.1: 2 of 1,550,396 alleles (0.00013%); highest among the groups gnomAD compares: Middle Eastern, 0.017%; no homozygotes.

Submission:

Ambry Genetics
Classification: Uncertain significance for Cardiovascular phenotype. Last evaluated: 2022-04-25. Review status: criteria provided, single submitter. Criteria: Ambry Variant Classification Scheme 2023. Collection method: clinical testing. Allele origin: germline.
Comment: The p.R1821M variant (also known as c.5462G>T), located in coding exon 2 of the ZNF469 gene, results from a G to T substitution at nucleotide position 5462. The arginine at codon 1821 is replaced by methionine, an amino acid with similar properties. This amino acid position is conserved. In addition, this alteration is predicted to be tolerated by in silico analysis. Since supporting evidence is limited at this time, the clinical significance of this alteration remains unclear.